The following is an entry in ClinVar:

NM_005219.5(DIAPH1):c.1164-10C>T

Gene: DIAPH1 (diaphanous related formin 1; minus strand). Cytogenetic location: 5q31.3.
Variant type: single nucleotide variant.
Coding change: c.1164-10C>T on transcript NM_005219.5 (MANE Select); 10 bases into the intron before coding-DNA position 1164, C replaced by T.
Molecular consequence: intron variant.
Genome position (GRCh38, 1-based): chr5:141,577,601, G>A on the plus strand (C>T on the coding strand, the complement: DIAPH1 is on the minus strand). VCF-style: chr5-141577601-G-A. GRCh37 (hg19) VCF-style: chr5-140957168-G-A.
Other names: c.1137-10C>T (NM_001079812.3); c.1164-10C>T (NM_001314007.2).
Identifiers: ClinVar variation 505216 (VCV000505216.12), dbSNP rs777180488, ClinGen allele CA3479359.

ClinVar aggregate classification (germline): Likely benign. Review status: criteria provided, multiple submitters, no conflicts (2 of 4 stars). 2 submissions from 2 submitters: Likely benign (2). Last evaluated 2025-07-29.

Conditions:
Autosomal dominant nonsyndromic hearing loss 1. Also called: KONIGSMARK SYNDROME; DEAFNESS, AUTOSOMAL DOMINANT 1, WITH OR WITHOUT THROMBOCYTOPENIA. Identifiers: Orphanet 90635, MedGen C1852282, MONDO:0007424, OMIM 124900.
Progressive microcephaly-seizures-cortical blindness-developmental delay syndrome. Also called: Seizures, cortical blindness, and microcephaly syndrome. Identifiers: Orphanet 477814, MedGen C5567650, MONDO:0014714, OMIM 616632.

Allele frequency attached by ClinVar (database versions not stated): gnomAD exomes 0.00001 and 0.00002; ExAC 0.00002; TOPMed 0.00002; gnomAD 0.00003.
gnomAD v4.1: 19 of 1,550,388 alleles (0.0012%); highest among the groups gnomAD compares: Non-Finnish European, 0.0017%; no homozygotes.

Submissions (2):

Labcorp Genetics (formerly Invitae), Labcorp
Classification: Likely benign for Progressive microcephaly-seizures-cortical blindness-developmental delay syndrome; Autosomal dominant nonsyndromic hearing loss 1. Last evaluated: 2025-07-29. Review status: criteria provided, single submitter. Criteria: Invitae Variant Classification Sherloc (09022015). Collection method: clinical testing. Allele origin: germline.

Laboratory for Molecular Medicine, Mass General Brigham Personalized Medicine
Classification: Likely benign. Last evaluated: 2016-08-04. Review status: criteria provided, single submitter. Criteria: LMM Criteria. Collection method: clinical testing. Allele origin: germline. Observed: 1 variant allele.
Comment: c.1164-10C>T in intron 11 of DIAPH1: This variant is not expected to have clini cal significance because a C>T change at this position does not diverge from the splice consensus sequence and is therefore unlikely to impact splicing. It has been identified in 3/66712 European chromosomes by the Exome Aggregation Consort ium (ExAC).